The following is an entry in ClinVar:

NM_004006.3(DMD):c.2191_2193delinsGTA (p.Leu731Val)

Gene: DMD (dystrophin; minus strand). Cytogenetic location: Xp21.1.
Variant type: Indel.
Coding change: c.2191_2193delinsGTA on transcript NM_004006.3 (MANE Select); coding-DNA positions 2191 to 2193, CTT replaced by GTA.
Protein change: p.Leu731Val; replaces leucine 731 with valine.
Molecular consequence: missense variant.
Genome position (GRCh38, 1-based): chrX:32,518,107-32,518,109, AAG replaced by TAC on the plus strand (CTT replaced by GTA on the coding strand, the reverse complement: DMD is on the minus strand). VCF-style: chrX-32518107-AAG-TAC. GRCh37 (hg19) VCF-style: chrX-32536224-AAG-TAC.
Other names: c.2167_2169delinsGTA, p.Leu723Val (NM_000109.4); c.2179_2181delinsGTA, p.Leu727Val (NM_004009.3); c.1822_1824delinsGTA, p.Leu608Val (NM_004010.3); short protein forms L723V, L731V, L727V, L608V.
Identifiers: ClinVar variation 5004733 (VCV005004733.1).

ClinVar aggregate classification (germline): Uncertain significance (1 of 4 stars; one submission).

Conditions:
Progressive muscular dystrophy. Identifiers: Orphanet 206644, MedGen C4551827, MONDO:0016106.

Submission:

Myriad Genetics, Inc.
Classification: Uncertain significance for Progressive muscular dystrophy. Last evaluated: 2026-06-17. Review status: criteria provided, single submitter. Criteria: Myriad Autosomal Dominant, Autosomal Recessive and X-Linked Classification Criteria (2023). Collection method: clinical testing. Allele origin: unknown.
Comment: NM_004006.2(DMD):c.2191_2193delCTTinsGTA(L731V) is a missense variant classified as a variant of uncertain significance in the context of dystrophinopathy (including Duchenne/Becker muscular dystrophy). L731V has not been observed in cases with relevant disease. Relevant functional assessments of this variant are not available in the literature. L731V has not been observed in referenced population frequency databases. In summary, there is insufficient evidence to classify NM_004006.2(DMD):c.2191_2193delCTTinsGTA(L731V) as pathogenic or benign. Please note: this variant was assessed in the context of healthy population screening.